The following is an entry in ClinVar:

NM_001365088.1(SLC12A6):c.1825-2A>G

Gene: SLC12A6 (solute carrier family 12 member 6; minus strand). Cytogenetic location: 15q14.
Variant type: single nucleotide variant.
Coding change: c.1825-2A>G on transcript NM_001365088.1 (MANE Select); the canonical splice acceptor site of the intron before coding-DNA position 1825, A replaced by G.
Molecular consequence: splice acceptor variant.
Genome position (GRCh38, 1-based): chr15:34,245,405, T>C on the plus strand (A>G on the coding strand, the complement: SLC12A6 is on the minus strand). VCF-style: chr15-34245405-T-C. GRCh37 (hg19) VCF-style: chr15-34537606-T-C.
Other names: c.1648-2A>G (NM_001042495.2, NM_001042494.2); c.1798-2A>G (NM_001042496.2); c.1780-2A>G (NM_001042497.2); c.1825-2A>G (NM_133647.2); c.1672-2A>G (NM_005135.2).
Identifiers: ClinVar variation 4816516 (VCV004816516.1).

ClinVar aggregate classification (germline): Likely pathogenic (1 of 4 stars; one submission).

Conditions:
Agenesis of the corpus callosum with peripheral neuropathy (ACCPN). Also called: CHARLEVOIX DISEASE; HMSN/ACC; Hereditary Motor and Sensory Neuropathy with Agenesis of the Corpus Callosum; POLYNEUROPATHY, SENSORIMOTOR, WITH OR WITHOUT AGENESIS OF THE CORPUS CALLOSUM. Identifiers: Orphanet 1496, MedGen C0795950, MONDO:0000902, OMIM 218000. Disease mechanism: loss of function.

Submission:

Natera, Inc.
Classification: Likely pathogenic for Andermann syndrome. Last evaluated: 2025-06-01. Review status: criteria provided, single submitter. Criteria: Natera Variant Classification Schema (03/2026). Collection method: clinical testing. Allele origin: germline.
Comment: The c.1825-2A>G variant in SLC12A6 is a canonical splice acceptor site variant predicted to affect pre-mRNA splicing, which may result in an abnormal transcript and altered protein product. This variant is expected to result in nonsense mediated decay, truncation, or a dysfunctional protein product. This variant is rare in the general population with a frequency below the threshold expected for the associated phenotype(s). Given the available evidence, this variant is classified as Likely Pathogenic.